The following is an entry in ClinVar:

NM_000553.6(WRN):c.3459+4A>C

Gene: WRN (WRN RecQ like helicase; plus strand). Cytogenetic location: 8p12.
Variant type: single nucleotide variant.
Coding change: c.3459+4A>C on transcript NM_000553.6 (MANE Select); 4 bases into the intron after coding-DNA position 3459, A replaced by C.
Molecular consequence: intron variant.
Genome position (GRCh38, 1-based): chr8:31,147,132, A>C. VCF-style: chr8-31147132-A-C. GRCh37 (hg19) VCF-style: chr8-31004648-A-C.
Identifiers: ClinVar variation 1945049 (VCV001945049.5), dbSNP rs2536042102, ClinGen allele CA2580078191.
Genomic context (GRCh38, chr8:31,147,132, plus strand): 5'-GAAAAAGCTTACAGTTCCTCACAGCCTGTTATTTCGGCACAAGAGCAGGAGACTCAGGTA[A>C]GGCTTTTGTAAAAAGGTAATTAGTTTATGATAGGATAGTTATGATTCTATGTATGCTTAA-3'

ClinVar aggregate classification (germline): Uncertain significance (1 of 4 stars; one submission).

Conditions:
Werner syndrome (WRN). Identifiers: Orphanet 902, MedGen C0043119, MONDO:0010196, OMIM 277700.

Submission:

Labcorp Genetics (formerly Invitae), Labcorp
Classification: Uncertain significance for Werner syndrome. Last evaluated: 2022-10-12. Review status: criteria provided, single submitter. Criteria: Invitae Variant Classification Sherloc (09022015). Collection method: clinical testing. Allele origin: germline.
Comment: This sequence change falls in intron 29 of the WRN gene. It does not directly change the encoded amino acid sequence of the WRN protein. It affects a nucleotide within the consensus splice site. In summary, the available evidence is currently insufficient to determine the role of this variant in disease. Therefore, it has been classified as a Variant of Uncertain Significance. Variants that disrupt the consensus splice site are a relatively common cause of aberrant splicing (PMID: 17576681, 9536098). Algorithms developed to predict the effect of sequence changes on RNA splicing suggest that this variant is not likely to affect RNA splicing. This variant has not been reported in the literature in individuals affected with WRN-related conditions. This variant is not present in population databases (gnomAD no frequency).

Literature cited by the submitters: PubMed 17576681; PubMed 9536098.